The following is an entry in ClinVar:

NM_006017.3(PROM1):c.1151G>C (p.Arg384Thr)

Gene: PROM1 (prominin 1; minus strand). Cytogenetic location: 4p15.32.
Variant type: single nucleotide variant.
Coding change: c.1151G>C on transcript NM_006017.3 (MANE Select); coding-DNA position 1151, G replaced by C.
Protein change: p.Arg384Thr; replaces arginine 384 with threonine.
Molecular consequence: missense variant.
Genome position (GRCh38, 1-based): chr4:16,009,099, C>G on the plus strand (G>C on the coding strand, the complement: PROM1 is on the minus strand). VCF-style: chr4-16009099-C-G. GRCh37 (hg19) VCF-style: chr4-16010722-C-G.
Other names: c.1124G>C, p.Arg375Thr (NM_001145847.2, NM_001145848.2, NM_001145851.2 and 4 more transcripts); c.1151G>C, p.Arg384Thr (NM_001145849.2, NM_001145850.2); c.1151G>C (NM_006017.2); short protein forms R375T, R384T.
Identifiers: ClinVar variation 1051442 (VCV001051442.8), dbSNP rs200907523, ClinGen allele CA2866847.

ClinVar aggregate classification (germline): Conflicting classifications of pathogenicity. Review status: criteria provided, conflicting classifications (1 of 4 stars). 3 submissions from 3 submitters: Uncertain significance (2); Likely benign (1). Last evaluated 2025-10-06.

Conditions:
Inborn genetic diseases. Identifiers: MedGen C0950123, MeSH D030342.

Allele frequency attached by ClinVar (database versions not stated): gnomAD exomes 0.00004; ExAC 0.00006; gnomAD 0.00027 and 0.00029; TOPMed 0.00029; ESP Exome Variant Server 0.00042.
gnomAD v4.1: 71 of 1,612,164 alleles (0.0044%); highest among the groups gnomAD compares: African/African-American, 0.077%; no homozygotes.

Submissions (3):

Labcorp Genetics (formerly Invitae), Labcorp
Classification: Uncertain significance. Last evaluated: 2025-10-06. Review status: criteria provided, single submitter. Criteria: Invitae Variant Classification Sherloc (09022015). Collection method: clinical testing. Allele origin: germline.
Comment: This sequence change replaces arginine, which is basic and polar, with threonine, which is neutral and polar, at codon 384 of the PROM1 protein (p.Arg384Thr). This variant is present in population databases (rs200907523, gnomAD 0.07%). This variant has not been reported in the literature in individuals affected with PROM1-related conditions. ClinVar contains an entry for this variant (Variation ID: 1051442). Invitae Evidence Modeling of protein sequence and biophysical properties (such as structural, functional, and spatial information, amino acid conservation, physicochemical variation, residue mobility, and thermodynamic stability) indicates that this missense variant is not expected to disrupt PROM1 protein function with a negative predictive value of 80%. In summary, the available evidence is currently insufficient to determine the role of this variant in disease. Therefore, it has been classified as a Variant of Uncertain Significance.

Ambry Genetics
Classification: Uncertain significance for Inborn genetic diseases. Last evaluated: 2023-12-28. Review status: criteria provided, single submitter. Criteria: Ambry Variant Classification Scheme 2023. Collection method: clinical testing. Allele origin: germline.

Blueprint Genetics
Classification: Likely benign. Last evaluated: 2023-08-30. Review status: criteria provided, single submitter. Criteria: ACMG Guidelines, 2015. Collection method: clinical testing. Allele origin: germline.